The following is an entry in ClinVar:

NM_000540.3(RYR1):c.8988A>G (p.Lys2996=)

Gene: RYR1 (ryanodine receptor 1; plus strand). Cytogenetic location: 19q13.2.
Variant type: single nucleotide variant.
Coding change: c.8988A>G on transcript NM_000540.3 (MANE Select); coding-DNA position 8988, A replaced by G.
Protein change: p.Lys2996=; no amino-acid change (lysine 2996 retained).
Molecular consequence: synonymous variant.
Genome position (GRCh38, 1-based): chr19:38,510,553, A>G. VCF-style: chr19-38510553-A-G. GRCh37 (hg19) VCF-style: chr19-39001193-A-G.
Other names: c.8988A>G, p.Lys2996= (NM_001042723.2).
Identifiers: ClinVar variation 1096050 (VCV001096050.10), dbSNP rs2145655152, ClinGen allele CA507246188.

ClinVar aggregate classification (germline): Likely benign. Review status: criteria provided, multiple submitters, no conflicts (2 of 4 stars). 2 submissions from 2 submitters: Likely benign (2). Last evaluated 2023-02-24.

Conditions:
RYR1-related disorder. Also called: RYR1-related disorders; RYR1-related condition. Identifiers: MedGen CN239331.
Malignant hyperthermia, susceptibility to, 1 (MHS1). Also called: Anesthesia related hyperthermia; Malignant hyperpyrexia; Fulminating hyperpyrexia; Pharmacogenic myopathy; RYR1-Related Malignant Hyperthermia Susceptibility; Malignant hyperthermia suceptibility 1. Identifiers: Orphanet 423, MedGen C2930980, MONDO:0007783, OMIM 145600.

Submissions (2):

All of Us Research Program, National Institutes of Health
Classification: Likely benign for Malignant hyperthermia, susceptibility to, 1. Last evaluated: 2023-02-24. Review status: criteria provided, single submitter. Criteria: ACMG Guidelines, 2015. Collection method: clinical testing. Allele origin: germline. Inheritance: Autosomal dominant inheritance. Observed: 1 variant allele, 1 heterozygote.
Comment: This study involves interpretation of variants in research participants for the purpose of population health screening. Participant phenotype was not available at the time of variant classification. Additional details can be found in publication PMID: 35346344, PMCID: PMC8962531

Labcorp Genetics (formerly Invitae), Labcorp
Classification: Likely benign for RYR1-related disorder. Last evaluated: 2022-02-05. Review status: criteria provided, single submitter. Criteria: Invitae Variant Classification Sherloc (09022015). Collection method: clinical testing. Allele origin: germline.